The following is an entry in ClinVar:

NM_000181.4(GUSB):c.1477-2A>G

Genes: GUSB (glucuronidase beta; minus strand), LOC126860055 (MED14-independent group 3 enhancer GRCh37_chr7:65432190-65433389; plus strand). Cytogenetic location: 7q11.21.
Variant type: single nucleotide variant.
Coding change: c.1477-2A>G on transcript NM_000181.4 (MANE Select); the canonical splice acceptor site of the intron before coding-DNA position 1477, A replaced by G.
Molecular consequence: splice acceptor variant.
Genome position (GRCh38, 1-based): chr7:65,967,909, T>C on the plus strand (A>G on the coding strand, the complement: GUSB is on the minus strand). VCF-style: chr7-65967909-T-C. GRCh37 (hg19) VCF-style: chr7-65432896-T-C.
Other names: c.820-2A>G (NM_001293105.2); c.907-2A>G (NM_001293104.2); c.1039-2A>G (NM_001284290.2).
Identifiers: ClinVar variation 2720139 (VCV002720139.3), dbSNP rs1260794203, ClinGen allele CA367640614.

ClinVar aggregate classification (germline): Likely pathogenic (1 of 4 stars; one submission).

Conditions:
Mucopolysaccharidosis type 7 (MPS7). Also called: MPS VII; BETA-GLUCURONIDASE DEFICIENCY; GUSB DEFICIENCY; SLY SYNDROME. Identifiers: Orphanet 584, MedGen C0085132, MONDO:0009662, OMIM 253220.

Allele frequency attached by ClinVar (database versions not stated): TOPMed below 0.00001.
gnomAD v4.1: 6 of 1,599,442 alleles (0.00038%); highest among the groups gnomAD compares: African/African-American, 0.0013%; no homozygotes.

Submission:

Labcorp Genetics (formerly Invitae), Labcorp
Classification: Likely pathogenic for Mucopolysaccharidosis type 7. Last evaluated: 2023-10-11. Review status: criteria provided, single submitter. Criteria: Invitae Variant Classification Sherloc (09022015). Collection method: clinical testing. Allele origin: germline.
Comment: This sequence change affects an acceptor splice site in intron 9 of the GUSB gene. It is expected to disrupt RNA splicing. Variants that disrupt the donor or acceptor splice site typically lead to a loss of protein function (PMID: 16199547), and loss-of-function variants in GUSB are known to be pathogenic (PMID: 19224584). This variant is present in population databases (no rsID available, gnomAD 0.01%). This variant has not been reported in the literature in individuals affected with GUSB-related conditions. Algorithms developed to predict the effect of sequence changes on RNA splicing suggest that this variant may disrupt the consensus splice site. In summary, the currently available evidence indicates that the variant is pathogenic, but additional data are needed to prove that conclusively. Therefore, this variant has been classified as Likely Pathogenic.

Literature cited by the submitters: PubMed 16199547; PubMed 19224584.